The following is an entry in ClinVar:

ClinVar aggregate classification (germline): Pathogenic. Review status: reviewed by expert panel (3 of 4 stars). 2 submissions from 2 submitters: Pathogenic (1). 1 of the submissions does not count toward it. Last evaluated 2026-07-31.

Conditions:
Immunodeficiency 104. Also called: Severe Combined Immune Deficiency, Autosomal Recessive, TCell -Negative, B Cell-Positive, NK Cell-Positive, IL7R-Related; IMMUNODEFICIENCY 104, SEVERE COMBINED; Severe combined immunodeficiency, autosomal recessive, T cell-negative, B cell-positive, NK cell-positive; SCID, AUTOSOMAL RECESSIVE, T CELL-NEGATIVE, B CELL-POSITIVE, NK CELL-POSITIVE. Identifiers: MedGen C5676890, MONDO:0012163, OMIM 608971.

Submissions (2):

ClinGen Severe Combined Immunodeficiency Variant Curation Expert Panel, ClinGen
Classification: Pathogenic for Immunodeficiency 104. Last evaluated: 2026-07-31. Review status: reviewed by expert panel. Criteria: ClinGen SCID ACMG Specifications IL7R V2.2. Collection method: curation. Allele origin: germline. Inheritance: Autosomal recessive inheritance.
Comment: The NM_002185.5(IL7R):c.221+1G>A variant in IL7R is a canonical donor splice site (+1) of intron 2 predicted to affect splicing, resulting in biologically relevant exon 2 being skipped followed by a frameshift (p.Gly28Valfs*7), leading to nonsense-mediated decay in a gene in which loss-of-function is an established disease mechanism (PVS1_met). This variant is absent from gnomAD v4 (PM2_Supporting). This variant has been detected in 2 individuals with immunodeficiency. Of those individuals, one was homozygous for the variant (PMID:32411386). The other was compound heterozygous for the variant and a variant of unknown significance (NM_002185.5:chr5:35700839-35968226del) that deletes the entire gene and was confirmed in trans by parental testing (PMID:38082310) (PM3_met). The publication did not provide enough data for the proband to meet the diagnostic criteria for SCID/Leaky SCID/Omenn syndrome. However, the patient was clinically diagnosed with SCID and whole exome sequencing was conducted which did not provide an alternative genetic explanation for the phenotype (PMID: 38082310) (PP4_met). In summary, this variant meets the criteria to be classified as Pathogenic for autosomal recessive SCID based on the ACMG/AMP criteria applied, as specified by the ClinGen SCID VCEP: PVS1, PM2_Supporting, PP4, and PM3 (VCEP specifications version 2.2).

Center for Molecular Medicine, Children’s Hospital of Fudan University
Classification: Pathogenic for Immunodeficiency 104. Last evaluated: 2019-05-10. Review status: criteria provided, single submitter. Criteria: ACMG Guidelines, 2015. Collection method: clinical testing. Allele origin: inherited. Affected: yes. Not counted in ClinVar's aggregate classification.

NM_002185.5(IL7R):c.221+1G>A

Gene: IL7R (interleukin 7 receptor; plus strand). Cytogenetic location: 5p13.2.
Variant type: single nucleotide variant.
Coding change: c.221+1G>A on transcript NM_002185.5 (MANE Select); the canonical splice donor site of the intron after coding-DNA position 221, G replaced by A.
Molecular consequence: splice donor variant.
Genome position (GRCh38, 1-based): chr5:35,860,991, G>A. VCF-style: chr5-35860991-G-A. GRCh37 (hg19) VCF-style: chr5-35861093-G-A.
Other names: c.221+1G>A (NM_001410734.1).
Identifiers: ClinVar variation 830061 (VCV000830061.4), dbSNP rs1580851910, ClinGen allele CA359427086.